The following is an entry in ClinVar:

NM_000143.4(FH):c.708T>C (p.Thr236=)

Gene: FH (fumarate hydratase; minus strand). Cytogenetic location: 1q43.
Variant type: single nucleotide variant.
Coding change: c.708T>C on transcript NM_000143.4 (MANE Select); coding-DNA position 708, T replaced by C.
Protein change: p.Thr236=; no amino-acid change (threonine 236 retained).
Molecular consequence: synonymous variant.
Genome position (GRCh38, 1-based): chr1:241,508,633, A>G on the plus strand (T>C on the coding strand, the complement: FH is on the minus strand). VCF-style: chr1-241508633-A-G. GRCh37 (hg19) VCF-style: chr1-241671933-A-G.
Identifiers: ClinVar variation 1757097 (VCV001757097.3), dbSNP rs940166781, ClinGen allele CA424076034.

ClinVar aggregate classification (germline): Benign/Likely benign. Review status: criteria provided, multiple submitters, no conflicts (2 of 4 stars). 2 submissions from 2 submitters: Benign (1); Likely benign (1). Last evaluated 2024-10-18.

Conditions:
Hereditary cancer-predisposing syndrome. Also called: Neoplastic Syndromes, Hereditary; Tumor predisposition; Hereditary Cancer Syndrome; Hereditary neoplastic syndrome. Identifiers: Orphanet 140162, MedGen C0027672, MeSH D009386, MONDO:0015356.
Hereditary leiomyomatosis and renal cell cancer. Also called: MULTIPLE CUTANEOUS AND UTERINE LEIOMYOMATA 1, WITH OR WITHOUT RENAL CELL CARCINOMA; LEIOMYOMA, MULTIPLE CUTANEOUS; Reed syndrome; Multiple cutaneous and uterine leiomyomatosis; Cutaneous leiomyomata with uterine leiomyomata; Leiomyoma, hereditary multiple, of skin. Identifiers: Orphanet 523, MedGen C1708350, MONDO:0007888, OMIM 150800, HP:0007437. Disease mechanism: loss of function.

Allele frequency attached by ClinVar (database versions not stated): gnomAD exomes below 0.00001.
gnomAD v4.1: 1 of 1,613,912 alleles (0.000062%); highest among the groups gnomAD compares: African/African-American, 0.0013%; no homozygotes.

Submissions (2):

Myriad Genetics, Inc.
Classification: Benign for Hereditary leiomyomatosis and renal cell cancer. Last evaluated: 2024-10-18. Review status: criteria provided, single submitter. Criteria: Myriad Autosomal Dominant, Autosomal Recessive and X-Linked Classification Criteria (2023). Collection method: clinical testing. Allele origin: unknown.
Comment: This variant is considered benign. This variant is a silent/synonymous amino acid change and it is not expected to impact splicing.

Ambry Genetics
Classification: Likely benign for Hereditary cancer-predisposing syndrome. Last evaluated: 2022-09-26. Review status: criteria provided, single submitter. Criteria: Ambry Variant Classification Scheme 2023. Collection method: clinical testing. Allele origin: germline.